The following is an entry in ClinVar:

ClinVar aggregate classification (germline): Uncertain significance (1 of 4 stars; one submission).

Submission:

Labcorp Genetics (formerly Invitae), Labcorp
Classification: Uncertain significance. Last evaluated: 2024-04-29. Review status: criteria provided, single submitter. Criteria: Invitae Variant Classification Sherloc (09022015). Collection method: clinical testing. Allele origin: germline.
Comment: This sequence change replaces serine, which is neutral and polar, with proline, which is neutral and non-polar, at codon 429 of the FH protein (p.Ser429Pro). This variant is not present in population databases (gnomAD no frequency). This variant has not been reported in the literature in individuals affected with FH-related conditions. Advanced modeling of protein sequence and biophysical properties (such as structural, functional, and spatial information, amino acid conservation, physicochemical variation, residue mobility, and thermodynamic stability) performed at Invitae indicates that this missense variant is expected to disrupt FH protein function with a positive predictive value of 95%. In summary, the available evidence is currently insufficient to determine the role of this variant in disease. Therefore, it has been classified as a Variant of Uncertain Significance.

NM_000143.4(FH):c.1285T>C (p.Ser429Pro)

Gene: FH (fumarate hydratase; minus strand). Cytogenetic location: 1q43.
Variant type: single nucleotide variant.
Coding change: c.1285T>C on transcript NM_000143.4 (MANE Select); coding-DNA position 1285, T replaced by C.
Protein change: p.Ser429Pro; replaces serine 429 with proline.
Molecular consequence: missense variant.
Genome position (GRCh38, 1-based): chr1:241,500,542, A>G on the plus strand (T>C on the coding strand, the complement: FH is on the minus strand). VCF-style: chr1-241500542-A-G. GRCh37 (hg19) VCF-style: chr1-241663842-A-G.
Other names: short protein forms S429P.
Identifiers: ClinVar variation 2991411 (VCV002991411.3), dbSNP rs2527313071, ClinGen allele CA345436765.
Genomic context (GRCh38, chr1:241,500,542, plus strand): 5'-TCAGCTTGTTGATCCTTTCTGTATTGGCCTGGATTCCCACCACGCAGTTTTCTGTAAAGG[A>G]AACTGAAGCATCCCCCAGCAGCCTGGCTGAGTGTAACACATTTTTAATCTTTGAGTGAGT-3'
Protein context (NP_000134.2, residues 419-439): SARLLGDASV[Ser429Pro]FTENCVVGIQ